The following is an entry in ClinVar:

ClinVar aggregate classification (germline): Uncertain significance (1 of 4 stars; one submission).

Conditions:
Hypertrophic cardiomyopathy. Also called: HYPERTROPHIC MYOCARDIOPATHY. Identifiers: Orphanet 217569, MedGen C0007194, MeSH D002312, MONDO:0005045, HP:0001639.

Submission:

Labcorp Genetics (formerly Invitae), Labcorp
Classification: Uncertain significance for Hypertrophic cardiomyopathy. Last evaluated: 2025-12-21. Review status: criteria provided, single submitter. Criteria: Invitae Variant Classification Sherloc (09022015). Collection method: clinical testing. Allele origin: germline.
Comment: This sequence change replaces threonine, which is neutral and polar, with alanine, which is neutral and non-polar, at codon 124 of the MYH7 protein (p.Thr124Ala). This variant is not present in population databases (gnomAD no frequency). This variant has not been reported in the literature in individuals affected with MYH7-related conditions. Invitae Evidence Modeling of protein sequence and biophysical properties (such as structural, functional, and spatial information, amino acid conservation, physicochemical variation, residue mobility, and thermodynamic stability) indicates that this missense variant is not expected to disrupt MYH7 protein function with a negative predictive value of 95%. In summary, the available evidence is currently insufficient to determine the role of this variant in disease. Therefore, it has been classified as a Variant of Uncertain Significance.

NM_000257.4(MYH7):c.370A>G (p.Thr124Ala)

Gene: MYH7 (myosin heavy chain 7; minus strand). Cytogenetic location: 14q11.2.
Variant type: single nucleotide variant.
Coding change: c.370A>G on transcript NM_000257.4 (MANE Select); coding-DNA position 370, A replaced by G.
Protein change: p.Thr124Ala; replaces threonine 124 with alanine.
Molecular consequence: missense variant.
Genome position (GRCh38, 1-based): chr14:23,432,771, T>C on the plus strand (A>G on the coding strand, the complement: MYH7 is on the minus strand). VCF-style: chr14-23432771-T-C. GRCh37 (hg19) VCF-style: chr14-23901980-T-C.
Other names: c.370A>G, p.Thr124Ala (NM_001407004.1); short protein forms T124A.
Identifiers: ClinVar variation 4801963 (VCV004801963.1).